The following is an entry in ClinVar:

NM_003611.3(OFD1):c.360T>G (p.Thr120=)

Gene: OFD1 (OFD1 centriole and centriolar satellite protein; plus strand). Cytogenetic location: Xp22.2.
Variant type: single nucleotide variant.
Coding change: c.360T>G on transcript NM_003611.3 (MANE Select); coding-DNA position 360, T replaced by G.
Protein change: p.Thr120=; no amino-acid change (threonine 120 retained).
Molecular consequence: synonymous variant. On other transcripts: 5 prime UTR variant (1).
Genome position (GRCh38, 1-based): chrX:13,738,893, T>G. VCF-style: chrX-13738893-T-G. GRCh37 (hg19) VCF-style: chrX-13757012-T-G.
Other names: c.360T>G, p.Thr120= (NM_001330209.2); c.-186T>G (NM_001330210.2); c.360T>G (NM_003611.2).
Identifiers: ClinVar variation 2197863 (VCV002197863.7), dbSNP rs199934720, ClinGen allele CA10351581.

ClinVar aggregate classification (germline): Likely benign. Review status: criteria provided, multiple submitters, no conflicts (2 of 4 stars). 4 submissions from 4 submitters: Likely benign (4). Last evaluated 2026-05-14.

Conditions:
Retinal dystrophy. Also called: Inherited retinal dystrophy. Identifiers: Orphanet 71862, MedGen C0854723, MeSH D058499, MONDO:0019118, HP:0000556.
OFD1-related disorder. Also called: OFD1-related condition.
Orofaciodigital syndrome I (OFD1). Also called: OFDS I; Papillon-Leage and Psaume Syndrome; Oral-Facial-Digital Syndrome Type I. Identifiers: Orphanet 2750, MedGen C1510460, MONDO:0010702, OMIM 311200.
Joubert syndrome. Also called: JOUBERT-BOLTSHAUSER SYNDROME; Familial aplasia of the vermis. Identifiers: Orphanet 475, MedGen C5979921, MONDO:0018772.

Allele frequency attached by ClinVar (database versions not stated): ExAC 0.00007; gnomAD exomes 0.00009; 1000 Genomes Project 30x 0.00021; 1000 Genomes Project 0.00026.
gnomAD v4.1: 103 of 1,192,906 alleles (0.0086%); highest among the groups gnomAD compares: East Asian, 0.3%; 1 homozygote.

Submissions (4):

PreventionGenetics, part of Exact Sciences
Classification: Likely benign for OFD1-related condition. Last evaluated: 2026-05-14. Review status: criteria provided, single submitter. Criteria: ACMG Guidelines, 2015. Collection method: clinical testing. Allele origin: germline.
Comment: This variant is classified as likely benign based on ACMG/AMP sequence variant interpretation guidelines (Richards et al. 2015 PMID: 25741868, with internal and published modifications).

Dept Of Ophthalmology, Nagoya University
Classification: Likely benign for Retinal dystrophy. Last evaluated: 2023-10-01. Review status: criteria provided, single submitter. Criteria: Submitter's publication. Collection method: research. Allele origin: germline. Affected: yes.

Labcorp Genetics (formerly Invitae), Labcorp
Classification: Likely benign for Orofaciodigital syndrome I; Joubert syndrome. Last evaluated: 2023-07-11. Review status: criteria provided, single submitter. Criteria: Invitae Variant Classification Sherloc (09022015). Collection method: clinical testing. Allele origin: germline.

Blueprint Genetics
Classification: Likely benign. Last evaluated: 2023-03-27. Review status: criteria provided, single submitter. Criteria: ACMG Guidelines, 2015. Collection method: clinical testing. Allele origin: germline.